The following is an entry in ClinVar:

ClinVar aggregate classification (germline): Benign (0 of 4 stars; one submission).

Conditions:
CELSR1-related disorder. Also called: CELSR1-related condition.

Allele frequency attached by ClinVar (database versions not stated): gnomAD exomes 0.05754; ExAC 0.06672; 1000 Genomes Project 0.11222; gnomAD 0.11446; 1000 Genomes Project 30x 0.11680; TOPMed 0.11874; ESP Exome Variant Server 0.12710.
gnomAD v4.1: 101,724 of 1,612,768 alleles (6.3%); highest among the groups gnomAD compares: African/African-American, 27%; 5,212 homozygotes.

Submission:

PreventionGenetics, part of Exact Sciences
Classification: Benign for CELSR1-related condition. Last evaluated: 2019-11-25. Review status: no assertion criteria provided. Collection method: clinical testing. Allele origin: germline.
Comment: This variant is classified as benign based on ACMG/AMP sequence variant interpretation guidelines (Richards et al. 2015 PMID: 25741868, with internal and published modifications).

NM_001378328.1(CELSR1):c.5112C>T (p.Asp1704=)

Gene: CELSR1 (cadherin EGF LAG seven-pass G-type receptor 1; minus strand). Cytogenetic location: 22q13.31.
Variant type: single nucleotide variant.
Coding change: c.5112C>T on transcript NM_001378328.1 (MANE Select); coding-DNA position 5112, C replaced by T.
Protein change: p.Asp1704=; no amino-acid change (aspartic acid 1704 retained).
Molecular consequence: synonymous variant.
Genome position (GRCh38, 1-based): chr22:46,409,110, G>A on the plus strand (C>T on the coding strand, the complement: CELSR1 is on the minus strand). VCF-style: chr22-46409110-G-A. GRCh37 (hg19) VCF-style: chr22-46805007-G-A.
Other names: c.5112C>T, p.Asp1704= (NM_014246.4).
Identifiers: ClinVar variation 3055245 (VCV003055245.2), dbSNP rs35717986, ClinGen allele CA10294363.
Genomic context (GRCh38, chr22:46,409,110, plus strand): 5'-CTCCTTCCGGGTCCGGAACATGAGCCCCAGGTACCAGGGCACAGAGATGATGATGTTCAG[G>A]TCACTCCAGGACACGACGCTCTCACCGCTGAAGAGCTGGGGGTGAGGCATGGCTGCGGAC-3'
Protein context (NP_001365257.1, residues 1694-1714): FSGESVVSWS[Asp1704=]LNIIISVPWY